The following is an entry in ClinVar:

ClinVar aggregate classification (germline): Pathogenic (1 of 4 stars; one submission).

Submission:

Labcorp Genetics (formerly Invitae), Labcorp
Classification: Pathogenic. Last evaluated: 2025-03-07. Review status: criteria provided, single submitter. Criteria: Invitae Variant Classification Sherloc (09022015). Collection method: clinical testing. Allele origin: germline.
Comment: This sequence change creates a premature translational stop signal (p.Arg174Leufs*3) in the TTLL5 gene. It is expected to result in an absent or disrupted protein product. Loss-of-function variants in TTLL5 are known to be pathogenic (PMID: 24791901, 27162334). This variant is present in population databases (no rsID available, gnomAD 0.003%). This variant has not been reported in the literature in individuals affected with TTLL5-related conditions. ClinVar contains an entry for this variant (Variation ID: 1975643). For these reasons, this variant has been classified as Pathogenic.

Literature cited by the submitters: PubMed 24791901; PubMed 27162334.

NM_015072.5(TTLL5):c.521_527del (p.Arg174fs)

Gene: TTLL5 (tubulin tyrosine ligase like 5; plus strand). Cytogenetic location: 14q24.3.
Variant type: Deletion.
Coding change: c.521_527del on transcript NM_015072.5 (MANE Select); coding-DNA positions 521 to 527, 7 bases deleted (GGGGACC; older notation c.521_527delGGGGACC).
Protein change: p.Arg174fs; shifts the reading frame from arginine 174.
Molecular consequence: frameshift variant.
Genome position (GRCh38, 1-based): chr14:75,699,206-75,699,212, GGGGACC deleted; deleting any 7 consecutive bases within chr14:75,699,201-75,699,212 gives the same sequence; the c. name uses the placement nearest the transcript's 3' end. VCF-style (leftmost placement, unchanged base first): chr14-75699200-AGGACCGG-A. GRCh37 (hg19) VCF-style: chr14-76165543-AGGACCGG-A.
Other names: short protein forms R174fs.
Identifiers: ClinVar variation 1975643 (VCV001975643.5), dbSNP rs1340982465, ClinGen allele CA615067835.
Genomic context (GRCh38, chr14:75,699,200, plus strand): 5'-TCTTTTTCTTTGTTTCCTCTGTTTTTTATCTCCCAATATTTTGAGCAGATTCATATTCGA[AGGACCGG>A]GGACCTTGGATAGTAAAACCAGTGGCATCTTCAAGGGGGCGGGGCGTCTACCTGATCAAC-3'